The following is an entry in ClinVar:

NM_001042492.3(NF1):c.3198-1G>A

Gene: NF1 (neurofibromin 1; plus strand). Cytogenetic location: 17q11.2.
Variant type: single nucleotide variant.
Coding change: c.3198-1G>A on transcript NM_001042492.3 (MANE Select); the canonical splice acceptor site of the intron before coding-DNA position 3198, G replaced by A.
Molecular consequence: splice acceptor variant.
Genome position (GRCh38, 1-based): chr17:31,232,072, G>A. VCF-style: chr17-31232072-G-A. GRCh37 (hg19) VCF-style: chr17-29559090-G-A.
Other names: c.3198-1G>A (NM_000267.4).
Identifiers: ClinVar variation 2901595 (VCV002901595.3), dbSNP rs1223905930, ClinGen allele CA398988499.
Genomic context (GRCh38, chr17:31,232,072, plus strand): 5'-TGAAAGAACTTGAAAGATTCATGGTCTCTAAATTTTTTTTTTTTTTTTTTTTTTTTTTCA[G>A]AGATTTGGACCAGGCAAGCATGGAAGCAGTAGTTTCACTTCTAGCTGGTCTCCCTCTGCA-3'

ClinVar aggregate classification (germline): Pathogenic (1 of 4 stars; one submission).

Conditions:
Neurofibromatosis, type 1 (NF1). Also called: VON RECKLINGHAUSEN DISEASE; NEUROFIBROMATOSIS, TYPE I, SOMATIC; Peripheral type neurofibromatosis; Neurofibromatosis, type I. Identifiers: Orphanet 636, MedGen C0027831, MONDO:0018975, OMIM 162200. Disease mechanism: loss of function.

Submission:

Labcorp Genetics (formerly Invitae), Labcorp
Classification: Pathogenic for Neurofibromatosis, type 1. Last evaluated: 2022-11-19. Review status: criteria provided, single submitter. Criteria: Invitae Variant Classification Sherloc (09022015). Collection method: clinical testing. Allele origin: germline.
Comment: For these reasons, this variant has been classified as Pathogenic. Algorithms developed to predict the effect of sequence changes on RNA splicing suggest that this variant may disrupt the consensus splice site. Disruption of this splice site has been observed in individual(s) with neurofibromatosis type I (PMID: 30014477). This variant is not present in population databases (gnomAD no frequency). This sequence change affects an acceptor splice site in intron 24 of the NF1 gene. It is expected to disrupt RNA splicing. Variants that disrupt the donor or acceptor splice site typically lead to a loss of protein function (PMID: 16199547), and loss-of-function variants in NF1 are known to be pathogenic (PMID: 10712197, 23913538).

Literature cited by the submitters: PubMed 30014477; PubMed 16199547; PubMed 10712197; PubMed 23913538.